The following is an entry in ClinVar:

ClinVar aggregate classification (germline): Uncertain significance (1 of 4 stars; one submission).

Conditions:
Inborn genetic diseases. Identifiers: MedGen C0950123, MeSH D030342.

Submission:

Ambry Genetics
Classification: Uncertain significance for Inborn genetic diseases. Last evaluated: 2026-04-20. Review status: criteria provided, single submitter. Criteria: Ambry Variant Classification Scheme 2023. Collection method: clinical testing. Allele origin: germline.
Comment: The p.A93G variant (also known as c.278C>G), located in coding exon 3 of the ETV6 gene, results from a C to G substitution at nucleotide position 278. The alanine at codon 93 is replaced by glycine, an amino acid with similar properties. This amino acid position is conserved. In addition, the in silico prediction for this alteration is inconclusive. Based on the available evidence, the clinical significance of this variant remains unclear.

NM_001987.5(ETV6):c.278C>G (p.Ala93Gly)

Genes: ETV6 (ETS variant transcription factor 6; plus strand), LOC126861451 (BRD4-independent group 4 enhancer GRCh37_chr12:11991350-11992549; plus strand). Cytogenetic location: 12p13.2.
Variant type: single nucleotide variant.
Coding change: c.278C>G on transcript NM_001987.5 (MANE Select); coding-DNA position 278, C replaced by G.
Protein change: p.Ala93Gly; replaces alanine 93 with glycine.
Molecular consequence: missense variant.
Genome position (GRCh38, 1-based): chr12:11,839,254, C>G. VCF-style: chr12-11839254-C-G. GRCh37 (hg19) VCF-style: chr12-11992188-C-G.
Other names: c.275C>G, p.Ala92Gly (NM_001413913.1); c.251C>G, p.Ala84Gly (NM_001413914.1); c.14C>G, p.Ala5Gly (NM_001413915.1); c.278C>G, p.Ala93Gly (NM_001413916.1, NM_001413917.1, NM_001413918.1); short protein forms A5G, A84G, A92G, A93G.
Identifiers: ClinVar variation 4870662 (VCV004870662.1).
Genomic context (GRCh38, chr12:11,839,254, plus strand): 5'-CTGAAAATGAGTTTTCTTTAAGGCCAATTGACAGCAACACGTTTGAAATGAATGGCAAAG[C>G]TCTCCTGCTGCTGACCAAAGAGGACTTTCGCTATCGATCTCCTCATTCAGGTGAGAGTCT-3'
Protein context (NP_001978.1, residues 83-103): DSNTFEMNGK[Ala93Gly]LLLLTKEDFR